The following is an entry in ClinVar:

NM_000090.4(COL3A1):c.1022C>A (p.Ala341Asp)

Gene: COL3A1 (collagen type III alpha 1 chain; plus strand). Cytogenetic location: 2q32.2.
Variant type: single nucleotide variant.
Coding change: c.1022C>A on transcript NM_000090.4 (MANE Select); coding-DNA position 1022, C replaced by A.
Protein change: p.Ala341Asp; replaces alanine 341 with aspartic acid.
Molecular consequence: missense variant.
Genome position (GRCh38, 1-based): chr2:188,992,912, C>A. VCF-style: chr2-188992912-C-A. GRCh37 (hg19) VCF-style: chr2-189857638-C-A.
Other names: short protein forms A341D.
Identifiers: ClinVar variation 979096 (VCV000979096.2), dbSNP rs1688217809, ClinGen allele CA349850631.

ClinVar aggregate classification (germline): Uncertain significance. Review status: criteria provided, multiple submitters, no conflicts (2 of 4 stars). 2 submissions from 2 submitters: Uncertain significance (2). Last evaluated 2026-01-16.

Conditions:
Ehlers-Danlos syndrome, type 4 (EDSVASC). Also called: Ehlers-Danlos syndrome vascular type; Ehlers Danlos syndrome, ecchymotic type; Ehlers Danlos syndrome, arterial type; Ehlers Danlos syndrome, Sack-Barabas type; Ehlers-Danlos Syndrome Type IV. Identifiers: Orphanet 286, MedGen C0268338, MONDO:0017314, OMIM 130050.

Submissions (2):

Labcorp Genetics (formerly Invitae), Labcorp
Classification: Uncertain significance for Ehlers-Danlos syndrome, type 4. Last evaluated: 2026-01-16. Review status: criteria provided, single submitter. Criteria: Invitae Variant Classification Sherloc (09022015). Collection method: clinical testing. Allele origin: germline.
Comment: This sequence change replaces alanine, which is neutral and non-polar, with aspartic acid, which is acidic and polar, at codon 341 of the COL3A1 protein (p.Ala341Asp). This variant is not present in population databases (gnomAD no frequency). This variant has not been reported in the literature in individuals affected with COL3A1-related conditions. ClinVar contains an entry for this variant (Variation ID: 979096). Invitae Evidence Modeling of protein sequence and biophysical properties (such as structural, functional, and spatial information, amino acid conservation, physicochemical variation, residue mobility, and thermodynamic stability) indicates that this missense variant is not expected to disrupt COL3A1 protein function with a negative predictive value of 95%. In summary, the available evidence is currently insufficient to determine the role of this variant in disease. Therefore, it has been classified as a Variant of Uncertain Significance.

Human Genome Sequencing Center Clinical Lab, Baylor College of Medicine
Classification: Uncertain significance for Vascular Ehlers-Danlos syndrome. Review status: criteria provided, single submitter. Criteria: ACMG Guidelines, 2015. Collection method: clinical testing. Allele origin: germline.